The following is an entry in ClinVar:

NM_014822.4(SEC24D):c.2867T>C (p.Met956Thr)

Gene: SEC24D (SEC24 homolog D, COPII component; minus strand). Cytogenetic location: 4q26.
Variant type: single nucleotide variant.
Coding change: c.2867T>C on transcript NM_014822.4 (MANE Select); coding-DNA position 2867, T replaced by C.
Protein change: p.Met956Thr; replaces methionine 956 with threonine.
Molecular consequence: missense variant.
Genome position (GRCh38, 1-based): chr4:118,731,317, A>G on the plus strand (T>C on the coding strand, the complement: SEC24D is on the minus strand). VCF-style: chr4-118731317-A-G. GRCh37 (hg19) VCF-style: chr4-119652472-A-G.
Other names: c.2870T>C, p.Met957Thr (NM_001318066.2); short protein forms M957T, M956T.
Identifiers: ClinVar variation 1371572 (VCV001371572.6), dbSNP rs2110430211, ClinGen allele CA358003754.
Genomic context (GRCh38, chr4:118,731,317, plus strand): 5'-AAACATTTACGAATTTATATTTTTCATATTACCACAAAAGCAATGAAAATAATACTTACC[A>G]TATCTGTGTTGATATGTGCAAAAGATGGCACATTAAATATTCCTTGGATCAGTTCTGGTG-3'
Protein context (NP_055637.2, residues 946-966): VPSFAHINTD[Met956Thr]TLLPEVGNPY

ClinVar aggregate classification (germline): Uncertain significance (1 of 4 stars; one submission).

Submission:

Labcorp Genetics (formerly Invitae), Labcorp
Classification: Uncertain significance. Last evaluated: 2024-04-16. Review status: criteria provided, single submitter. Criteria: Invitae Variant Classification Sherloc (09022015). Collection method: clinical testing. Allele origin: germline.
Comment: This sequence change replaces methionine, which is neutral and non-polar, with threonine, which is neutral and polar, at codon 956 of the SEC24D protein (p.Met956Thr). This variant is not present in population databases (gnomAD no frequency). This variant has not been reported in the literature in individuals affected with SEC24D-related conditions. ClinVar contains an entry for this variant (Variation ID: 1371572). Algorithms developed to predict the effect of missense changes on protein structure and function output the following: SIFT: "Not Available"; PolyPhen-2: "Benign"; Align-GVGD: "Not Available". The threonine amino acid residue is found in multiple mammalian species, which suggests that this missense change does not adversely affect protein function. In summary, the available evidence is currently insufficient to determine the role of this variant in disease. Therefore, it has been classified as a Variant of Uncertain Significance.